The following is an entry in ClinVar:

ClinVar aggregate classification (germline): Uncertain significance. Review status: criteria provided, single submitter (1 of 4 stars). 2 submissions from 2 submitters: Uncertain significance (1). 1 of the submissions does not count toward it. Last evaluated 2024-11-04.

Conditions:
Meckel-Gruber syndrome. Also called: DYSENCEPHALIA SPLANCHNOCYSTICA; GRUBER SYNDROME; Dysencephalia splachnocystica. Identifiers: Orphanet 564, MedGen C0265215, MONDO:0018921.
Joubert syndrome. Also called: CEREBELLOPARENCHYMAL DISORDER IV; JOUBERT-BOLTSHAUSER SYNDROME; Familial aplasia of the vermis. Identifiers: Orphanet 475, MedGen C5979921, MONDO:0018772.
Nephronophthisis. Also called: Juvenile Nephronophthisis. Identifiers: Orphanet 655, MedGen C0687120, MONDO:0019005, HP:0000090.
Leber congenital amaurosis (LCA). Also called: Leber's amaurosis. Identifiers: Orphanet 65, MedGen C0339527, MeSH D057130, MONDO:0018998.

Allele frequency attached by ClinVar (database versions not stated): gnomAD exomes 0.00001 and 0.00002; TOPMed 0.00001.

Submissions (2):

Labcorp Genetics (formerly Invitae), Labcorp
Classification: Uncertain significance for Joubert syndrome; Meckel-Gruber syndrome; Nephronophthisis. Last evaluated: 2024-11-04. Review status: criteria provided, single submitter. Criteria: Invitae Variant Classification Sherloc (09022015). Collection method: clinical testing. Allele origin: germline.
Comment: This sequence change replaces methionine, which is neutral and non-polar, with valine, which is neutral and non-polar, at codon 1723 of the CEP290 protein (p.Met1723Val). This variant is present in population databases (rs542400806, gnomAD 0.007%). This variant has not been reported in the literature in individuals affected with CEP290-related conditions. ClinVar contains an entry for this variant (Variation ID: 530914). Invitae Evidence Modeling of protein sequence and biophysical properties (such as structural, functional, and spatial information, amino acid conservation, physicochemical variation, residue mobility, and thermodynamic stability) has been performed for this missense variant. However, the output from this modeling did not meet the statistical confidence thresholds required to predict the impact of this variant on CEP290 protein function. In summary, the available evidence is currently insufficient to determine the role of this variant in disease. Therefore, it has been classified as a Variant of Uncertain Significance.

Natera, Inc.
Classification: Uncertain significance for Leber congenital amaurosis. Last evaluated: 2019-10-28. Review status: no assertion criteria provided. Collection method: clinical testing. Allele origin: germline. Not counted in ClinVar's aggregate classification.

NM_025114.4(CEP290):c.5167A>G (p.Met1723Val)

Gene: CEP290 (centrosomal protein 290; minus strand). Cytogenetic location: 12q21.32.
Variant type: single nucleotide variant.
Coding change: c.5167A>G on transcript NM_025114.4 (MANE Select); coding-DNA position 5167, A replaced by G.
Protein change: p.Met1723Val; replaces methionine 1723 with valine.
Molecular consequence: missense variant.
Genome position (GRCh38, 1-based): chr12:88,080,241, T>C on the plus strand (A>G on the coding strand, the complement: CEP290 is on the minus strand). VCF-style: chr12-88080241-T-C. GRCh37 (hg19) VCF-style: chr12-88474018-T-C.
Other names: short protein forms M1723V.
Identifiers: ClinVar variation 530914 (VCV000530914.5), dbSNP rs542400806, ClinGen allele CA241154634.